The following is an entry in ClinVar:

ClinVar aggregate classification (germline): Conflicting classifications of pathogenicity. Review status: criteria provided, conflicting classifications (1 of 4 stars). 7 submissions from 7 submitters: Uncertain significance (2); Likely benign (5). Last evaluated 2025-09-02.

Conditions:
Autosomal recessive nonsyndromic hearing loss 35. Identifiers: Orphanet 90636, MedGen C1837857, MONDO:0012060, OMIM 608565.

Allele frequency attached by ClinVar (database versions not stated): ESP Exome Variant Server 0.00044; gnomAD exomes 0.00046; gnomAD 0.00054 and 0.00056; TOPMed 0.00056; ExAC 0.00067.
gnomAD v4.1: 1,234 of 1,582,166 alleles (0.078%); highest among the groups gnomAD compares: Non-Finnish European, 0.097%; 3 homozygotes.

Submissions (7):

Labcorp Genetics (formerly Invitae), Labcorp
Classification: Likely benign. Last evaluated: 2025-09-02. Review status: criteria provided, single submitter. Criteria: Invitae Variant Classification Sherloc (09022015). Collection method: clinical testing. Allele origin: germline.

CeGaT Center for Human Genetics Tuebingen
Classification: Likely benign. Last evaluated: 2025-01-01. Review status: criteria provided, single submitter. Criteria: CeGaT Center For Human Genetics Tuebingen Variant Classification Criteria Version 2. Collection method: clinical testing. Allele origin: germline. Affected: yes. Observed: 1 variant allele.
Comment: ESRRB: BS1:Supporting

GeneDx
Classification: Likely benign. Last evaluated: 2021-04-13. Review status: criteria provided, single submitter. Criteria: GeneDx Variant Classification Process June 2021. Collection method: clinical testing. Allele origin: germline. Affected: yes.

Athena Diagnostics
Classification: Uncertain significance. Last evaluated: 2018-11-02. Review status: criteria provided, single submitter. Criteria: Athena Diagnostics Criteria. Collection method: clinical testing. Allele origin: germline.

Illumina Laboratory Services, Illumina
Classification: Uncertain significance for Autosomal recessive nonsyndromic hearing loss 35. Last evaluated: 2018-01-13. Review status: criteria provided, single submitter. Criteria: ICSL Variant Classification Criteria 13 December 2019. Collection method: clinical testing. Allele origin: germline.

Laboratory for Molecular Medicine, Mass General Brigham Personalized Medicine
Classification: Likely benign. Last evaluated: 2017-10-24. Review status: criteria provided, single submitter. Criteria: LMM Criteria. Collection method: clinical testing. Allele origin: germline. Observed: 6 variant alleles.
Comment: p.Arg476His in exon 10 of ESRRB: This variant is not expected to have clinical s ignificance because the arginine (Arg) at position 476 is not conserved across m ammals and the change to histidine (His) is present in several species including chimp. In addition, this variant has been identified in 0.1% (81/96870) of Euro pean chromosomes including 1 homozygote by the Genome Aggregation Database (gnom AD; dbSNP rs200237229).

Genomic Diagnostic Laboratory, Division of Genomic Diagnostics, Children's Hospital of Philadelphia
Classification: Likely benign. Last evaluated: 2015-08-24. Review status: criteria provided, single submitter. Criteria: DGD Variant Analysis Guidelines. Collection method: clinical testing. Allele origin: unknown.

NM_001379180.1(ESRRB):c.*1535G>A

Gene: ESRRB (estrogen related receptor beta; plus strand). Cytogenetic location: 14q24.3.
Variant type: single nucleotide variant.
Coding change: c.*1535G>A on transcript NM_001379180.1 (MANE Select); 1535 bases downstream of the stop codon, G replaced by A.
Molecular consequence: 3 prime UTR variant. On other transcripts: missense variant (1).
Genome position (GRCh38, 1-based): chr14:76,499,993, G>A. VCF-style: chr14-76499993-G-A. GRCh37 (hg19) VCF-style: chr14-76966336-G-A.
Other names: c.1427G>A, p.Arg476His (NM_004452.4); short protein forms R476H.
Identifiers: ClinVar variation 44999 (VCV000044999.31), dbSNP rs200237229, ClinGen allele CA135417.